The following is an entry in ClinVar:

ClinVar aggregate classification (germline): Uncertain significance. Review status: criteria provided, multiple submitters, no conflicts (2 of 4 stars). 2 submissions from 2 submitters: Uncertain significance (2). Last evaluated 2025-07-31.

Conditions:
Familial cold autoinflammatory syndrome 3 (FCAS3). Also called: ANTIBODY DEFICIENCY AND IMMUNE DYSREGULATION, PLCG2-ASSOCIATED; FAMILIAL ATYPICAL COLD URTICARIA. Identifiers: Orphanet 300359, MedGen C3280914, MONDO:0013766, OMIM 614468.

Allele frequency attached by ClinVar (database versions not stated): gnomAD 0.00001; TOPMed 0.00001.
gnomAD v4.1: 11 of 1,601,168 alleles (0.00069%); highest among the groups gnomAD compares: South Asian, 0.0011%; no homozygotes.

Submissions (2):

Labcorp Genetics (formerly Invitae), Labcorp
Classification: Uncertain significance for Familial cold autoinflammatory syndrome 3. Last evaluated: 2025-07-31. Review status: criteria provided, single submitter. Criteria: Invitae Variant Classification Sherloc (09022015). Collection method: clinical testing. Allele origin: germline.
Comment: This sequence change replaces tyrosine, which is neutral and polar, with phenylalanine, which is neutral and non-polar, at codon 206 of the PLCG2 protein (p.Tyr206Phe). This variant is present in population databases (rs766231080, gnomAD 0.0009%). This variant has not been reported in the literature in individuals affected with PLCG2-related conditions. ClinVar contains an entry for this variant (Variation ID: 574390). An algorithm developed to predict the effect of missense changes on protein structure and function (PolyPhen-2) suggests that this variant is likely to be disruptive. In summary, the available evidence is currently insufficient to determine the role of this variant in disease. Therefore, it has been classified as a Variant of Uncertain Significance.

Blueprint Genetics
Classification: Uncertain significance. Last evaluated: 2021-08-18. Review status: criteria provided, single submitter. Criteria: ACMG Guidelines, 2015. Collection method: clinical testing. Allele origin: germline.

NM_002661.5(PLCG2):c.617A>T (p.Tyr206Phe)

Gene: PLCG2 (phospholipase C gamma 2; plus strand). Cytogenetic location: 16q23.3.
Variant type: single nucleotide variant.
Coding change: c.617A>T on transcript NM_002661.5 (MANE Select); coding-DNA position 617, A replaced by T.
Protein change: p.Tyr206Phe; replaces tyrosine 206 with phenylalanine.
Molecular consequence: missense variant.
Genome position (GRCh38, 1-based): chr16:81,870,904, A>T. VCF-style: chr16-81870904-A-T. GRCh37 (hg19) VCF-style: chr16-81904509-A-T.
Other names: short protein forms Y206F.
Identifiers: ClinVar variation 574390 (VCV000574390.3), dbSNP rs766231080, ClinGen allele CA8193315.